The following is an entry in ClinVar:

ClinVar aggregate classification (germline): Uncertain significance (1 of 4 stars; one submission).

Conditions:
Spastic paraplegia. Identifiers: MedGen C0037772, HP:0001258.

Allele frequency attached by ClinVar (database versions not stated): gnomAD exomes below 0.00001.
gnomAD v4.1: 2 of 1,210,943 alleles (0.00017%); highest among the groups gnomAD compares: African/African-American, 0.0017%; no homozygotes.

Submission:

Labcorp Genetics (formerly Invitae), Labcorp
Classification: Uncertain significance for Spastic paraplegia. Last evaluated: 2023-11-27. Review status: criteria provided, single submitter. Criteria: Invitae Variant Classification Sherloc (09022015). Collection method: clinical testing. Allele origin: germline.
Comment: This sequence change replaces threonine, which is neutral and polar, with alanine, which is neutral and non-polar, at codon 1358 of the KDM5C protein (p.Thr1358Ala). This variant is not present in population databases (gnomAD no frequency). This variant has not been reported in the literature in individuals affected with KDM5C-related conditions. ClinVar contains an entry for this variant (Variation ID: 1915238). Advanced modeling of protein sequence and biophysical properties (such as structural, functional, and spatial information, amino acid conservation, physicochemical variation, residue mobility, and thermodynamic stability) performed at Invitae indicates that this missense variant is not expected to disrupt KDM5C protein function with a negative predictive value of 95%. In summary, the available evidence is currently insufficient to determine the role of this variant in disease. Therefore, it has been classified as a Variant of Uncertain Significance.

NM_004187.5(KDM5C):c.4072A>G (p.Thr1358Ala)

Gene: KDM5C (lysine demethylase 5C; minus strand). Cytogenetic location: Xp11.22.
Variant type: single nucleotide variant.
Coding change: c.4072A>G on transcript NM_004187.5 (MANE Select); coding-DNA position 4072, A replaced by G.
Protein change: p.Thr1358Ala; replaces threonine 1358 with alanine.
Molecular consequence: missense variant. On other transcripts: non-coding transcript variant (3).
Genome position (GRCh38, 1-based): chrX:53,193,818, T>C on the plus strand (A>G on the coding strand, the complement: KDM5C is on the minus strand). VCF-style: chrX-53193818-T-C. GRCh37 (hg19) VCF-style: chrX-53223000-T-C.
Other names: c.3871A>G, p.Thr1291Ala (NM_001146702.2); c.4069A>G, p.Thr1357Ala (NM_001282622.3, NM_001353979.2, NM_001353982.2); c.4072A>G, p.Thr1358Ala (NM_001353978.3, NM_001353981.2, NM_001353984.2); short protein forms T1291A, T1357A, T1358A.
Identifiers: ClinVar variation 1915238 (VCV001915238.5), dbSNP rs2519368753, ClinGen allele CA413105545.